The following is an entry in ClinVar:

NM_001195522.3(MPC1L):c.28A>C (p.Lys10Gln)

Gene: MPC1L (mitochondrial pyruvate carrier 1 like; plus strand). Cytogenetic location: Xp11.4.
Variant type: single nucleotide variant.
Coding change: c.28A>C on transcript NM_001195522.3 (MANE Select); coding-DNA position 28, A replaced by C.
Protein change: p.Lys10Gln; replaces lysine 10 with glutamine.
Molecular consequence: missense variant.
Genome position (GRCh38, 1-based): chrX:40,623,593, A>C. VCF-style: chrX-40623593-A-C. GRCh37 (hg19) VCF-style: chrX-40482845-A-C.
Other names: short protein forms K10Q.
Identifiers: ClinVar variation 2255444 (VCV002255444.26), dbSNP rs925993447, ClinGen allele CA329004619.

ClinVar aggregate classification (germline): Conflicting classifications of pathogenicity. Review status: criteria provided, conflicting classifications (1 of 4 stars). 2 submissions from 2 submitters: Uncertain significance (1); Likely benign (1). Last evaluated 2023-02-01.

Allele frequency attached by ClinVar (database versions not stated): gnomAD exomes 0.00011; TOPMed 0.00013; gnomAD 0.00014.

Submissions (2):

CeGaT Center for Human Genetics Tuebingen
Classification: Likely benign. Last evaluated: 2023-02-01. Review status: criteria provided, single submitter. Criteria: CeGaT Center For Human Genetics Tuebingen Variant Classification Criteria Version 2. Collection method: clinical testing. Allele origin: germline. Affected: yes. Observed: 1 variant allele.
Comment: MPC1L: BP4, BS2

Ambry Genetics
Classification: Uncertain significance. Last evaluated: 2021-10-14. Review status: criteria provided, single submitter. Criteria: Ambry Variant Classification Scheme 2023. Collection method: clinical testing. Allele origin: germline.